The following is an entry in ClinVar:

ClinVar aggregate classification (germline): Uncertain significance. Review status: criteria provided, multiple submitters, no conflicts (2 of 4 stars). 2 submissions from 2 submitters: Uncertain significance (2). Last evaluated 2025-08-14.

gnomAD v4.1: 2 of 1,574,676 alleles (0.00013%); highest among the groups gnomAD compares: African/African-American, 0.0028%; no homozygotes.

Submissions (2):

Labcorp Genetics (formerly Invitae), Labcorp
Classification: Uncertain significance. Last evaluated: 2025-08-14. Review status: criteria provided, single submitter. Criteria: Invitae Variant Classification Sherloc (09022015). Collection method: clinical testing. Allele origin: germline.
Comment: This sequence change replaces serine, which is neutral and polar, with threonine, which is neutral and polar, at codon 465 of the FSCN2 protein (p.Ser465Thr). This variant is not present in population databases (gnomAD no frequency). This variant has not been reported in the literature in individuals affected with FSCN2-related conditions. ClinVar contains an entry for this variant (Variation ID: 3851893). An algorithm developed to predict the effect of missense changes on protein structure and function (PolyPhen-2) suggests that this variant is likely to be disruptive. In summary, the available evidence is currently insufficient to determine the role of this variant in disease. Therefore, it has been classified as a Variant of Uncertain Significance.

Ambry Genetics
Classification: Uncertain significance. Last evaluated: 2025-01-27. Review status: criteria provided, single submitter. Criteria: Ambry Variant Classification Scheme 2023. Collection method: clinical testing. Allele origin: germline.

NM_012418.4(FSCN2):c.1322G>C (p.Ser441Thr)

Gene: FSCN2 (fascin actin-bundling protein 2, retinal; plus strand). Cytogenetic location: 17q25.3.
Variant type: single nucleotide variant.
Coding change: c.1322G>C on transcript NM_012418.4 (MANE Select); coding-DNA position 1322, G replaced by C.
Protein change: p.Ser441Thr; replaces serine 441 with threonine.
Molecular consequence: missense variant.
Genome position (GRCh38, 1-based): chr17:81,536,923, G>C. VCF-style: chr17-81536923-G-C. GRCh37 (hg19) VCF-style: chr17-79503949-G-C.
Other names: c.1394G>C, p.Ser465Thr (NM_001077182.3); short protein forms S465T, S441T.
Identifiers: ClinVar variation 3851893 (VCV003851893.2).